The following is an entry in ClinVar:

NM_152906.7(TANGO2):c.256C>T (p.Arg86Ter)

Gene: TANGO2 (transport and golgi organization 2 homolog; plus strand). Cytogenetic location: 22q11.21.
Variant type: single nucleotide variant.
Coding change: c.256C>T on transcript NM_152906.7 (MANE Select); coding-DNA position 256, C replaced by T.
Protein change: p.Arg86Ter; replaces arginine 86 with a stop codon.
Molecular consequence: nonsense. On other transcripts: missense variant (12), non-coding transcript variant (5).
Genome position (GRCh38, 1-based): chr22:20,052,575, C>T. VCF-style: chr22-20052575-C-T. GRCh37 (hg19) VCF-style: chr22-20040098-C-T.
Other names: NM_152906.7(TANGO2):c.256C>T; p.Arg86Ter; c.256C>T, p.Arg86Ter (NM_001283106.3, NM_001283116.3, NM_001283148.3 and 10 more transcripts); c.379C>T, p.Arg127Ter (NM_001283129.3, NM_001283215.3, NM_001322141.2 and 5 more transcripts); c.77C>T, p.Pro26Leu (NM_001283235.3, NM_001322146.2, NM_001322148.2 and 9 more transcripts); short protein forms R86*, R127*, P26L.
Identifiers: ClinVar variation 617515 (VCV000617515.13), dbSNP rs1162037663, ClinGen allele CA410696440.

ClinVar aggregate classification (germline): Pathogenic/Likely pathogenic. Review status: criteria provided, multiple submitters, no conflicts (2 of 4 stars). 6 submissions from 6 submitters: Pathogenic (5); Likely pathogenic (1). Last evaluated 2024-11-13.

Conditions:
Recurrent metabolic encephalomyopathic crises-rhabdomyolysis-cardiac arrhythmia-intellectual disability syndrome (MECRCN). Also called: Metabolic encephalomyopathic crises, recurrent, with rhabdomyolysis, cardiac arrhythmias, and neurodegeneration; METABOLIC CRISES, RECURRENT, WITH RHABDOMYOLYSIS, CARDIAC ARRHYTHMIAS, AND NEURODEGENERATION; TANGO2 Deficiency. Identifiers: Orphanet 480864, MedGen C5567524, MONDO:0018820, OMIM 616878.

Allele frequency attached by ClinVar (database versions not stated): gnomAD exomes 0.00001.

Submissions (6):

Women's Health and Genetics/Laboratory Corporation of America, LabCorp
Classification: Pathogenic for Recurrent metabolic encephalomyopathic crises-rhabdomyolysis-cardiac arrhythmia-intellectual disability syndrome. Last evaluated: 2024-11-13. Review status: criteria provided, single submitter. Criteria: LabCorp Variant Classification Summary - May 2015. Collection method: clinical testing. Allele origin: germline.
Comment: Variant summary: TANGO2 c.256C>T (p.Arg86X) results in a premature termination codon, predicted to cause absence of the protein due to nonsense mediated decay, which is a commonly known mechanism for disease. The variant allele was found at a frequency of 5.5e-06 in 180380 control chromosomes (gnomAD). c.256C>T has been reported in the literature in individuals affected with Recurrent Metabolic Encephalomyopathic Crises-Rhabdomyolysis Arrhythmia-Intellectual Disability Syndrome (e.g. Lunke_2023). The following publication has been ascertained in the context of this evaluation (PMID: 37291213). ClinVar contains an entry for this variant (Variation ID: 617515). Based on the evidence outlined above, the variant was classified as pathogenic.

Labcorp Genetics (formerly Invitae), Labcorp
Classification: Pathogenic. Last evaluated: 2024-01-15. Review status: criteria provided, single submitter. Criteria: Invitae Variant Classification Sherloc (09022015). Collection method: clinical testing. Allele origin: germline.
Comment: This sequence change creates a premature translational stop signal (p.Arg86*) in the TANGO2 gene. It is expected to result in an absent or disrupted protein product. Loss-of-function variants in TANGO2 are known to be pathogenic (PMID: 26805781, 26805782). This variant is present in population databases (no rsID available, gnomAD 0.006%). This premature translational stop signal has been observed in individual(s) with TANGO2-related conditions (PMID: 32929747). ClinVar contains an entry for this variant (Variation ID: 617515). For these reasons, this variant has been classified as Pathogenic.

Victorian Clinical Genetics Services, Murdoch Childrens Research Institute
Classification: Pathogenic for Recurrent metabolic encephalomyopathic crises-rhabdomyolysis-cardiac arrhythmia-intellectual disability syndrome. Last evaluated: 2023-07-16. Review status: criteria provided, single submitter. Criteria: ACMG Guidelines, 2015. Collection method: clinical testing. Allele origin: germline. Inheritance: Autosomal recessive inheritance. Affected: yes.
Comment: Based on the classification scheme VCGS_Germline_v1.3.4, this variant is classified as Pathogenic. Following criteria are met: 0102 - Loss of function is a known mechanism of disease in this gene and is associated with recurrent metabolic encephalomyopathic crises with rhabdomyolysis, cardiac arrhythmias, and neurodegeneration (MECRCN; MIM#616878). (I) 0106 - This gene is associated with autosomal recessive disease. (I) 0201 - Variant is predicted to cause nonsense-mediated decay (NMD) and loss of protein (premature termination codon is located at least 54 nucleotides upstream of the final exon-exon junction). (SP) 0251 - This variant is heterozygous. (I) 0304 - Variant is present in gnomAD (v2) <0.01 for a recessive condition (1 heterozygote, 0 homozygotes). (SP) 0702 - Other NMD-predicted variants comparable to the one identified in this case have strong previous evidence for pathogenicity. More than five other variants predicted to result in a loss of function have previously been reported in individuals with MECRCN (ClinVar, DECIPHER). (SP) 0802 - This variant has moderate previous evidence of pathogenicity in unrelated individuals. The variant has previously been reported as pathogenic in ClinVar and in the homozygous state in at least two unrelated individuals with MECRCN (ClinVar, PMID: 32929747). (SP) 0903 - This variant has limited evidence for segregation with disease. The variant has previously been observed to segregate in three homozygous siblings affected with MECRCN (PMID: 32929747). (SP) 1101 - Very strong and specific phenotype match for this individual. (I) Legend: (SP) - Supporting pathogenic, (I) - Information, (SB) - Supporting benign

New York Genome Center
Classification: Pathogenic for Recurrent metabolic encephalomyopathic crises-rhabdomyolysis-cardiac arrhythmia-intellectual disability syndrome. Last evaluated: 2021-09-14. Review status: criteria provided, single submitter. Criteria: NYGC Assertion Criteria 2020. Collection method: clinical testing. Allele origin: inherited. Observed: 1 heterozygote. Study: CSER-NYCKidSeq.

Broad Center for Mendelian Genomics, Broad Institute of MIT and Harvard
Classification: Likely pathogenic for Recurrent metabolic encephalomyopathic crises-rhabdomyolysis-cardiac arrhythmia-intellectual disability syndrome. Last evaluated: 2021-05-21. Review status: criteria provided, single submitter. Criteria: ACMG Guidelines, 2015. Collection method: curation. Allele origin: germline. Inheritance: Autosomal recessive inheritance.
Comment: The p.Arg86Ter variant in TANGO2 has been reported in 3 siblings with metabolic encephalomyopathic crises, recurrent, with rhabdomyolysis, cardiac arrhythmias, and neurodegeneration (MECRCN) (PMID: 32929747), segregated with disease in these siblings from 1 family (PMID: 32929747), and has been identified in 0.006% (1/16414) of European (Finnish) chromosomes by the Genome Aggregation Database (gnomAD; dbSNP ID: rs1162037663). Although this variant has been seen in the general population in a heterozygous state, its frequency is low enough to be consistent with a recessive carrier frequency. This variant has also been reported in ClinVar (Variation ID#: 617515) and has been interpreted as Pathogenic by Genomic Medicine Lab (University of California San Francisco). This nonsense variant leads to a premature termination codon at position 86, which is predicted to lead to a truncated or absent protein. Loss of function of the TANGO2 gene is a strongly established disease mechanism in autosomal recessive MECRCN. In summary, although additional studies are required to fully establish its clinical significance, this variant is likely pathogenic for autosomal recessive MECRCN. ACMG/AMP Criteria applied: PVS1_strong, PP1, PM2_supporting, PP3_supporting (Richards 2015).

Genomic Medicine Lab, University of California San Francisco
Classification: Pathogenic for Recurrent metabolic encephalomyopathic crises-rhabdomyolysis-cardiac arrhythmia-intellectual disability syndrome. Last evaluated: 2018-03-26. Review status: criteria provided, single submitter. Criteria: ACMG Guidelines, 2015. Collection method: clinical testing. Allele origin: inherited. Inheritance: Autosomal recessive inheritance. Affected: yes. Study: CSER.
Comment: A reportable homozygous variant in the TANGO2 gene, c.256C>T, p.R86*, was identified at chromosomal position chr22: 20040098 (hg19). The TANGO2 gene encodes for a Transport and Golgi Organization (TANGO)protein that localizes to the Golgi and cytoplasm. Variants in this gene are associated with metabolic encephalomyopathic crises, with rhabdomyolysis, cardiac arrhythmias, and neurodegeneration (MIM: 616878). Sixteen patients with biallelic variants in TANGO2 and an overlapping phenotype have been described to date consistently with autosomal recessive inheritance (Kramer et al. 2016; Lalani et al. 2016; Shamseldin et al. 2017). Functional studies in Kremer et al. suggest a functional defect in mitochondrial beta-oxidation of fatty acid consistent with the biochemical presentation of most patients described. Impairment of Golgi organization has also been speculated to be relevant or the pathogenesis of the phenotypic presentation of individuals with biallelic TANGO2 pathogenic variants (Lalani et al. 2016). The majority of patients identified to date harbor homozygous or compound heterozygous loss of function variants in TANGO2; a common missense has also been described. The c.256C>T (p.R86*) variant has not been previously reported in affected individuals but it is a loss of function homozygous variant consistent with recessive inheritance and previously described pathogenic variants in this gene. This variant is a rare variant, and is not present in the 1000 Genomes, or ExAC population sequencing projects. In the gnomAD population sequencing project, there is a single heterozygous individual (1 out of 174932 alleles), and no homozygous individuals reported.

Literature cited by the submitters: PubMed 37291213 (cited by Women's Health and Genetics/Laboratory Corporation of America, LabCorp); PubMed 26805781 (cited by Labcorp Genetics (formerly Invitae), Labcorp); PubMed 26805782 (cited by Labcorp Genetics (formerly Invitae), Labcorp); PubMed 32929747 (cited by Labcorp Genetics (formerly Invitae), Labcorp and Victorian Clinical Genetics Services, Murdoch Childrens Research Institute).